The following is an entry in ClinVar:

ClinVar aggregate classification (germline): Likely pathogenic (1 of 4 stars; one submission).

Conditions:
COL4A4-related disorder.

gnomAD v4.1: 1 of 1,614,070 alleles (0.000062%); highest among the groups gnomAD compares: South Asian, 0.0011%; no homozygotes.

Submission:

PreventionGenetics, part of Exact Sciences
Classification: Likely pathogenic for COL4A4-related condition. Last evaluated: 2026-09-21. Review status: criteria provided, single submitter. Criteria: ACMG Guidelines, 2015. Collection method: clinical testing. Allele origin: germline.
Comment: The COL4A4 c.3062G>T variant is predicted to result in the amino acid substitution p.Gly1021Val. To our knowledge, this variant has not been reported in the literature or in a large population database (gnomAD), indicating this variant is rare. The amino acid p.Gly1021 resides within the triple helical domain of the COL4A4 protein (amino acids 57-1451). Glycine substitutions within this domain affect the folding and secretion of type VII collagen, and pathogenic variants altering glycine residues have been reported in individuals with COL4A4-related disorders ((Hudson et al. 1993. PubMed ID: 8253711). This variant is interpreted as likely pathogenic.

NM_000092.5(COL4A4):c.3062G>T (p.Gly1021Val)

Gene: COL4A4 (collagen type IV alpha 4 chain; minus strand). Cytogenetic location: 2q36.3.
Variant type: single nucleotide variant.
Coding change: c.3062G>T on transcript NM_000092.5 (MANE Select); coding-DNA position 3062, G replaced by T.
Protein change: p.Gly1021Val; replaces glycine 1021 with valine.
Molecular consequence: missense variant.
Genome position (GRCh38, 1-based): chr2:227,051,065, C>A on the plus strand (G>T on the coding strand, the complement: COL4A4 is on the minus strand). VCF-style: chr2-227051065-C-A. GRCh37 (hg19) VCF-style: chr2-227915781-C-A.
Other names: short protein forms G1021V.
Identifiers: ClinVar variation 4991464 (VCV004991464.1).